The following is an entry in ClinVar:

NM_006059.4(LAMC3):c.302C>T (p.Thr101Ile)

Gene: LAMC3 (laminin subunit gamma 3; plus strand). Cytogenetic location: 9q34.12.
Variant type: single nucleotide variant.
Coding change: c.302C>T on transcript NM_006059.4 (MANE Select); coding-DNA position 302, C replaced by T.
Protein change: p.Thr101Ile; replaces threonine 101 with isoleucine.
Molecular consequence: missense variant.
Genome position (GRCh38, 1-based): chr9:131,009,516, C>T. VCF-style: chr9-131009516-C-T. GRCh37 (hg19) VCF-style: chr9-133884903-C-T.
Other names: short protein forms T101I.
Identifiers: ClinVar variation 3900579 (VCV003900579.1).

ClinVar aggregate classification (germline): Uncertain significance (1 of 4 stars; one submission).

gnomAD v4.1: 6 of 1,556,070 alleles (0.00039%); highest among the groups gnomAD compares: Admixed American, 0.0058%; no homozygotes.

Submission:

GeneDx
Classification: Uncertain significance. Last evaluated: 2024-11-26. Review status: criteria provided, single submitter. Criteria: GeneDx Variant Classification Process June 2021. Collection method: clinical testing. Allele origin: germline. Affected: yes.
Comment: Not observed at significant frequency in large population cohorts (gnomAD); In silico analysis supports that this missense variant has a deleterious effect on protein structure/function; Has not been previously published as pathogenic or benign to our knowledge